The following is an entry in ClinVar:

NM_003482.4(KMT2D):c.967T>A (p.Cys323Ser)

Gene: KMT2D (lysine methyltransferase 2D; minus strand). Cytogenetic location: 12q13.12.
Variant type: single nucleotide variant.
Coding change: c.967T>A on transcript NM_003482.4 (MANE Select); coding-DNA position 967, T replaced by A.
Protein change: p.Cys323Ser; replaces cysteine 323 with serine.
Molecular consequence: missense variant.
Genome position (GRCh38, 1-based): chr12:49,053,060, A>T on the plus strand (T>A on the coding strand, the complement: KMT2D is on the minus strand). VCF-style: chr12-49053060-A-T. GRCh37 (hg19) VCF-style: chr12-49446843-A-T.
Other names: short protein forms C323S.
Identifiers: ClinVar variation 3360725 (VCV003360725.1).

ClinVar aggregate classification (germline): Uncertain significance (1 of 4 stars; one submission).

Submission:

GeneDx
Classification: Uncertain significance. Last evaluated: 2023-07-09. Review status: criteria provided, single submitter. Criteria: GeneDx Variant Classification Process June 2021. Collection method: clinical testing. Allele origin: germline. Affected: yes.
Comment: Not observed at significant frequency in large population cohorts (gnomAD); In silico analysis supports that this missense variant has a deleterious effect on protein structure/function; Has not been previously published as pathogenic or benign to our knowledge